The following is an entry in ClinVar:

NM_000117.3(EMD):c.62T>C (p.Ile21Thr)

Gene: EMD (emerin; plus strand). Cytogenetic location: Xq28.
Variant type: single nucleotide variant.
Coding change: c.62T>C on transcript NM_000117.3 (MANE Select); coding-DNA position 62, T replaced by C.
Protein change: p.Ile21Thr; replaces isoleucine 21 with threonine.
Molecular consequence: missense variant.
Genome position (GRCh38, 1-based): chrX:154,379,546, T>C. VCF-style: chrX-154379546-T-C. GRCh37 (hg19) VCF-style: chrX-153607906-T-C.
Other names: short protein forms I21T.
Identifiers: ClinVar variation 4740950 (VCV004740950.1).

ClinVar aggregate classification (germline): Uncertain significance (1 of 4 stars; one submission).

Conditions:
X-linked Emery-Dreifuss muscular dystrophy. Also called: Muscular dystrophy, tardive Emery-Dreifuss type, with contractures. Identifiers: Orphanet 261, Orphanet 98863, MedGen C0751337, MONDO:0010680.

Submission:

Labcorp Genetics (formerly Invitae), Labcorp
Classification: Uncertain significance for X-linked Emery-Dreifuss muscular dystrophy. Last evaluated: 2025-04-08. Review status: criteria provided, single submitter. Criteria: Invitae Variant Classification Sherloc (09022015). Collection method: clinical testing. Allele origin: germline.
Comment: This sequence change replaces isoleucine, which is neutral and non-polar, with threonine, which is neutral and polar, at codon 21 of the EMD protein (p.Ile21Thr). This variant is not present in population databases (gnomAD no frequency). This variant has not been reported in the literature in individuals affected with EMD-related conditions. Invitae Evidence Modeling of protein sequence and biophysical properties (such as structural, functional, and spatial information, amino acid conservation, physicochemical variation, residue mobility, and thermodynamic stability) indicates that this missense variant is expected to disrupt EMD protein function with a positive predictive value of 80%. In summary, the available evidence is currently insufficient to determine the role of this variant in disease. Therefore, it has been classified as a Variant of Uncertain Significance.